The following is an entry in ClinVar:

ClinVar aggregate classification (germline): Uncertain significance. Review status: criteria provided, multiple submitters, no conflicts (2 of 4 stars). 2 submissions from 2 submitters: Uncertain significance (2). Last evaluated 2025-05-23.

gnomAD v4.1: 48 of 1,614,050 alleles (0.003%); highest among the groups gnomAD compares: Middle Eastern, 0.12%; no homozygotes.

Submissions (2):

Ambry Genetics
Classification: Uncertain significance. Last evaluated: 2025-05-23. Review status: criteria provided, single submitter. Criteria: Ambry Variant Classification Scheme 2023. Collection method: clinical testing. Allele origin: germline.

Labcorp Genetics (formerly Invitae), Labcorp
Classification: Uncertain significance. Last evaluated: 2024-01-29. Review status: criteria provided, single submitter. Criteria: Invitae Variant Classification Sherloc (09022015). Collection method: clinical testing. Allele origin: germline.
Comment: This sequence change replaces proline, which is neutral and non-polar, with arginine, which is basic and polar, at codon 137 of the POLD2 protein (p.Pro137Arg). This variant is present in population databases (rs546429678, gnomAD 0.009%). This variant has not been reported in the literature in individuals affected with POLD2-related conditions. ClinVar contains an entry for this variant (Variation ID: 2176706). Experimental studies and prediction algorithms are not available or were not evaluated, and the functional significance of this variant is currently unknown. In summary, the available evidence is currently insufficient to determine the role of this variant in disease. Therefore, it has been classified as a Variant of Uncertain Significance.

NM_006230.4(POLD2):c.305C>G (p.Pro102Arg)

Gene: POLD2 (DNA polymerase delta 2, accessory subunit; minus strand). Cytogenetic location: 7p13.
Variant type: single nucleotide variant.
Coding change: c.305C>G on transcript NM_006230.4 (MANE Select); coding-DNA position 305, C replaced by G.
Protein change: p.Pro102Arg; replaces proline 102 with arginine.
Molecular consequence: missense variant.
Genome position (GRCh38, 1-based): chr7:44,117,980, G>C on the plus strand (C>G on the coding strand, the complement: POLD2 is on the minus strand). VCF-style: chr7-44117980-G-C. GRCh37 (hg19) VCF-style: chr7-44157579-G-C.
Other names: c.305C>G, p.Pro102Arg (NM_001127218.3, NM_001256879.2); c.305C>G (NM_001127218.1); short protein forms P102R.
Identifiers: ClinVar variation 2176706 (VCV002176706.3), dbSNP rs546429678, ClinGen allele CA4238911.
Genomic context (GRCh38, chr7:44,117,980, plus strand): 5'-CACTGTGTAGCACCCTGCCTCACCTCCTCGCTGACCTCCCGCAGGATGGAGGGCTGCAGC[G>C]GCATGGCCTTGAACAGAGTGCCCACCACACAGCACTTCTCCTCAGGCTGCAGTTCACACA-3'
Protein context (NP_006221.3, residues 92-112): CVVGTLFKAM[Pro102Arg]LQPSILREVS